The following is an entry in ClinVar:

NM_000368.5(TSC1):c.2625+4T>G

Gene: TSC1 (TSC complex subunit 1; minus strand). Cytogenetic location: 9q34.13.
Variant type: single nucleotide variant.
Coding change: c.2625+4T>G on transcript NM_000368.5 (MANE Select); 4 bases into the intron after coding-DNA position 2625, T replaced by G.
Molecular consequence: intron variant.
Genome position (GRCh38, 1-based): chr9:132,900,711, A>C on the plus strand (T>G on the coding strand, the complement: TSC1 is on the minus strand). VCF-style: chr9-132900711-A-C. GRCh37 (hg19) VCF-style: chr9-135776098-A-C.
Other names: c.2262+4T>G (NM_001362177.2); c.2472+4T>G (NM_001162427.2); c.2622+4T>G (NM_001162426.2).
Identifiers: ClinVar variation 665188 (VCV000665188.7), dbSNP rs1588297117, ClinGen allele CA915947230.

ClinVar aggregate classification (germline): Uncertain significance. Review status: criteria provided, multiple submitters, no conflicts (2 of 4 stars). 2 submissions from 2 submitters: Uncertain significance (2). Last evaluated 2026-03-27.

Conditions:
Hereditary cancer-predisposing syndrome. Also called: Neoplastic Syndromes, Hereditary; Hereditary neoplastic syndrome; Hereditary Cancer Syndrome; Tumor predisposition. Identifiers: Orphanet 140162, MedGen C0027672, MeSH D009386, MONDO:0015356.
Tuberous sclerosis 1 (TSC1). Identifiers: Orphanet 805, MedGen C1854465, MONDO:0008612, OMIM 191100.

Submissions (2):

Ambry Genetics
Classification: Uncertain significance for Hereditary cancer-predisposing syndrome. Last evaluated: 2026-03-27. Review status: criteria provided, single submitter. Criteria: Ambry Variant Classification Scheme 2023. Collection method: clinical testing. Allele origin: germline.
Comment: The c.2625+4T>G intronic variant results from a T to G substitution 4 nucleotides after coding exon 18 in the TSC1 gene. This nucleotide position is not well conserved in available vertebrate species. In silico splice site analysis predicts that this alteration will not have any significant effect on splicing. Based on the available evidence, the clinical significance of this variant remains unclear.

Labcorp Genetics (formerly Invitae), Labcorp
Classification: Uncertain significance for Tuberous sclerosis 1. Last evaluated: 2022-12-05. Review status: criteria provided, single submitter. Criteria: Invitae Variant Classification Sherloc (09022015). Collection method: clinical testing. Allele origin: germline.
Comment: In summary, the available evidence is currently insufficient to determine the role of this variant in disease. Therefore, it has been classified as a Variant of Uncertain Significance. Variants that disrupt the consensus splice site are a relatively common cause of aberrant splicing (PMID: 17576681, 9536098). Algorithms developed to predict the effect of sequence changes on RNA splicing suggest that this variant is not likely to affect RNA splicing. ClinVar contains an entry for this variant (Variation ID: 665188). This variant has not been reported in the literature in individuals affected with TSC1-related conditions. This variant is not present in population databases (gnomAD no frequency). This sequence change falls in intron 20 of the TSC1 gene. It does not directly change the encoded amino acid sequence of the TSC1 protein. It affects a nucleotide within the consensus splice site.

Literature cited by the submitters: PubMed 17576681 (cited by Labcorp Genetics (formerly Invitae), Labcorp); PubMed 9536098 (cited by Labcorp Genetics (formerly Invitae), Labcorp).